The following is an entry in ClinVar:

ClinVar aggregate classification (germline): Uncertain significance (1 of 4 stars; one submission).

Submission:

Ambry Genetics
Classification: Uncertain significance. Last evaluated: 2024-09-30. Review status: criteria provided, single submitter. Criteria: Ambry Variant Classification Scheme 2023. Collection method: clinical testing. Allele origin: germline.
Comment: The p.R110S variant (also known as c.328C>A), located in coding exon 1 of the GALNT12 gene, results from a C to A substitution at nucleotide position 328. The arginine at codon 110 is replaced by serine, an amino acid with dissimilar properties. This amino acid position is conserved. In addition, this alteration is predicted to be tolerated by in silico analysis. Based on the available evidence, the clinical significance of this variant remains unclear.

NM_024642.5(GALNT12):c.328C>A (p.Arg110Ser)

Gene: GALNT12 (polypeptide N-acetylgalactosaminyltransferase 12; plus strand). Cytogenetic location: 9q22.33.
Variant type: single nucleotide variant.
Coding change: c.328C>A on transcript NM_024642.5 (MANE Select); coding-DNA position 328, C replaced by A.
Protein change: p.Arg110Ser; replaces arginine 110 with serine.
Molecular consequence: missense variant.
Genome position (GRCh38, 1-based): chr9:98,808,026, C>A. VCF-style: chr9-98808026-C-A. GRCh37 (hg19) VCF-style: chr9-101570308-C-A.
Other names: short protein forms R110S.
Identifiers: ClinVar variation 3518504 (VCV003518504.1).